The following is an entry in ClinVar:

ClinVar aggregate classification (germline): Uncertain significance. Review status: criteria provided, single submitter (1 of 4 stars). 2 submissions from 2 submitters: Uncertain significance (1). 1 of the submissions does not count toward it. Last evaluated 2024-05-15.

Conditions:
Inborn genetic diseases. Identifiers: MedGen C0950123, MeSH D030342.
DNAH17-related disorder. Also called: DNAH17-related condition.

Allele frequency attached by ClinVar (database versions not stated): ExAC 0.00032; 1000 Genomes Project 0.00060; 1000 Genomes Project 30x 0.00062; ESP Exome Variant Server 0.00117; gnomAD 0.00123; TOPMed 0.00125.
gnomAD v4.1: 370 of 1,606,358 alleles (0.023%); highest among the groups gnomAD compares: African/African-American, 0.42%; no homozygotes.

Submissions (2):

Ambry Genetics
Classification: Uncertain significance for Inborn genetic diseases. Last evaluated: 2024-05-15. Review status: criteria provided, single submitter. Criteria: Ambry Variant Classification Scheme 2023. Collection method: clinical testing. Allele origin: germline.

PreventionGenetics, part of Exact Sciences
Classification: Likely benign for DNAH17-related condition. Last evaluated: 2022-10-06. Review status: no assertion criteria provided. Collection method: clinical testing. Allele origin: germline. Not counted in ClinVar's aggregate classification.
Comment: This variant is classified as likely benign based on ACMG/AMP sequence variant interpretation guidelines (Richards et al. 2015 PMID: 25741868, with internal and published modifications).

NM_173628.4(DNAH17):c.5369G>A (p.Arg1790His)

Genes: DNAH17 (dynein axonemal heavy chain 17; minus strand), DNAH17-AS1 (DNAH17 antisense RNA 1; plus strand). Cytogenetic location: 17q25.3.
Variant type: single nucleotide variant.
Coding change: c.5369G>A on transcript NM_173628.4 (MANE Select); coding-DNA position 5369, G replaced by A.
Protein change: p.Arg1790His; replaces arginine 1790 with histidine.
Molecular consequence: missense variant. On other transcripts: non-coding transcript variant (1).
Genome position (GRCh38, 1-based): chr17:78,501,298, C>T on the plus strand (G>A on the coding strand, the complement: DNAH17 is on the minus strand). VCF-style: chr17-78501298-C-T. GRCh37 (hg19) VCF-style: chr17-76497380-C-T.
Other names: short protein forms R1790H.
Identifiers: ClinVar variation 2255496 (VCV002255496.5), dbSNP rs150508501, ClinGen allele CA8803285.